The following is an entry in ClinVar:

ClinVar aggregate classification (germline): Uncertain significance (1 of 4 stars; one submission).

Conditions:
Inborn genetic diseases. Identifiers: MedGen C0950123, MeSH D030342.

gnomAD v4.1: 1 of 1,613,468 alleles (0.000062%); highest among the groups gnomAD compares: South Asian, 0.0011%; no homozygotes.

Submission:

Ambry Genetics
Classification: Uncertain significance for Inborn genetic diseases. Last evaluated: 2025-04-25. Review status: criteria provided, single submitter. Criteria: Ambry Variant Classification Scheme 2023. Collection method: clinical testing. Allele origin: germline.
Comment: The p.Q941R variant (also known as c.2822A>G), located in coding exon 1 of the SAMD9L gene, results from an A to G substitution at nucleotide position 2822. The glutamine at codon 941 is replaced by arginine, an amino acid with highly similar properties. This amino acid position is conserved. In addition, this alteration is predicted to be tolerated by in silico analysis. Based on the available evidence, the clinical significance of this variant remains unclear.

NM_152703.5(SAMD9L):c.2822A>G (p.Gln941Arg)

Gene: SAMD9L (sterile alpha motif domain containing 9 like; minus strand). Cytogenetic location: 7q21.2.
Variant type: single nucleotide variant.
Coding change: c.2822A>G on transcript NM_152703.5 (MANE Select); coding-DNA position 2822, A replaced by G.
Protein change: p.Gln941Arg; replaces glutamine 941 with arginine.
Molecular consequence: missense variant.
Genome position (GRCh38, 1-based): chr7:93,133,150, T>C on the plus strand (A>G on the coding strand, the complement: SAMD9L is on the minus strand). VCF-style: chr7-93133150-T-C. GRCh37 (hg19) VCF-style: chr7-92762463-T-C.
Other names: c.2822A>G, p.Gln941Arg (NM_001303496.3, NM_001303497.3, NM_001303498.3 and 5 more transcripts); short protein forms Q941R.
Identifiers: ClinVar variation 3949873 (VCV003949873.1).
Genomic context (GRCh38, chr7:93,133,150, plus strand): 5'-TCTAAGCTTTCAGGTTCCCAGGGTGTACTAGTGTATATGATTCCCAAAAATATTTCACAC[T>C]GTGAAACTGAAATTGTAGAGTCAGTAACATAAGAGCTGAGTAAAGCCAGGAAGGAAATGA-3'
Protein context (NP_689916.2, residues 931-951): YVTDSTISVS[Gln941Arg]CEIFLGIIYT